The following is an entry in ClinVar:

ClinVar aggregate classification (germline): Uncertain significance. Review status: criteria provided, multiple submitters, no conflicts (2 of 4 stars). 2 submissions from 2 submitters: Uncertain significance (2). Last evaluated 2025-11-19.

Conditions:
Inborn genetic diseases. Identifiers: MedGen C0950123, MeSH D030342.

Allele frequency attached by ClinVar (database versions not stated): TOPMed below 0.00001.

Submissions (2):

Ambry Genetics
Classification: Uncertain significance for Inborn genetic diseases. Last evaluated: 2025-11-19. Review status: criteria provided, single submitter. Criteria: Ambry Variant Classification Scheme 2023. Collection method: clinical testing. Allele origin: germline.

Labcorp Genetics (formerly Invitae), Labcorp
Classification: Uncertain significance. Last evaluated: 2022-09-05. Review status: criteria provided, single submitter. Criteria: Invitae Variant Classification Sherloc (09022015). Collection method: clinical testing. Allele origin: germline.
Comment: This sequence change replaces glutamine, which is neutral and polar, with histidine, which is basic and polar, at codon 1954 of the CACNA1D protein (p.Gln1954His). The frequency data for this variant in the population databases is considered unreliable, as metrics indicate poor data quality at this position in the gnomAD database. This variant has not been reported in the literature in individuals affected with CACNA1D-related conditions. Algorithms developed to predict the effect of missense changes on protein structure and function are either unavailable or do not agree on the potential impact of this missense change (SIFT: "Deleterious"; PolyPhen-2: "Possibly Damaging"; Align-GVGD: "Class C0"). In summary, the available evidence is currently insufficient to determine the role of this variant in disease. Therefore, it has been classified as a Variant of Uncertain Significance.

NM_001128840.3(CACNA1D):c.5802G>T (p.Gln1934His)

Gene: CACNA1D (calcium voltage-gated channel subunit alpha1 D; plus strand). Cytogenetic location: 3p21.1.
Variant type: single nucleotide variant.
Coding change: c.5802G>T on transcript NM_001128840.3 (MANE Select); coding-DNA position 5802, G replaced by T.
Protein change: p.Gln1934His; replaces glutamine 1934 with histidine.
Molecular consequence: missense variant.
Genome position (GRCh38, 1-based): chr3:53,808,701, G>T. VCF-style: chr3-53808701-G-T. GRCh37 (hg19) VCF-style: chr3-53842728-G-T.
Other names: c.5862G>T (NM_000720.2); c.5862G>T, p.Gln1954His (NM_000720.4); c.5730G>T, p.Gln1910His (NM_001128839.3); short protein forms Q1934H, Q1910H, Q1954H.
Identifiers: ClinVar variation 1952273 (VCV001952273.6), dbSNP rs1371917892, ClinGen allele CA353256042.
Genomic context (GRCh38, chr3:53,808,701, plus strand): 5'-TTTCCCAGCCCACCGGAGATCCTCCTTCAACTTTGAGTGCCTGCGCCGGCAGAGCAGCCA[G>T]GAAGAGGTCCCGTCGTCTCCCATCTTCCCCCATCGCACGGCCCTGCCTCTGCATCTAATG-3'
Protein context (NP_001122312.1, residues 1924-1944): NFECLRRQSS[Gln1934His]EEVPSSPIFP